The following is an entry in ClinVar:

NM_000352.6(ABCC8):c.275G>A (p.Gly92Asp)

Gene: ABCC8 (ATP binding cassette subfamily C member 8; minus strand). Cytogenetic location: 11p15.1.
Variant type: single nucleotide variant.
Coding change: c.275G>A on transcript NM_000352.6 (MANE Select); coding-DNA position 275, G replaced by A.
Protein change: p.Gly92Asp; replaces glycine 92 with aspartic acid.
Molecular consequence: missense variant. On other transcripts: non-coding transcript variant (1).
Genome position (GRCh38, 1-based): chr11:17,474,901, C>T on the plus strand (G>A on the coding strand, the complement: ABCC8 is on the minus strand). VCF-style: chr11-17474901-C-T. GRCh37 (hg19) VCF-style: chr11-17496448-C-T.
Other names: c.275G>A, p.Gly92Asp (NM_001287174.3, NM_001351295.2, NM_001351296.2 and 1 more transcripts); short protein forms G92D.
Identifiers: ClinVar variation 3721005 (VCV003721005.2).
Genomic context (GRCh38, chr11:17,474,901, plus strand): 5'-CCCTGGAGCAGATTCACTTTCCTGAGTCCTCAGACAGTCACTCACCCATCAGACAGGATG[C>T]CCTCTGCAATCTCACACACCAGGACGAAGAGCAGCATGAAGGTCAGGATCCACCGCAGGT-3'
Protein context (NP_000343.2, residues 82-102): LFVLVCEIAE[Gly92Asp]ILSDGVTESH

ClinVar aggregate classification (germline): Likely pathogenic (1 of 4 stars; one submission).

Submission:

Labcorp Genetics (formerly Invitae), Labcorp
Classification: Likely pathogenic. Last evaluated: 2024-10-17. Review status: criteria provided, single submitter. Criteria: Invitae Variant Classification Sherloc (09022015). Collection method: clinical testing. Allele origin: germline.
Comment: This sequence change replaces glycine, which is neutral and non-polar, with aspartic acid, which is acidic and polar, at codon 92 of the ABCC8 protein (p.Gly92Asp). This variant is not present in population databases (gnomAD no frequency). This missense change has been observed in individuals with autosomal dominant familial hyperinsulinism (PMID: 16380471, 26092864, 30386300). Invitae Evidence Modeling of protein sequence and biophysical properties (such as structural, functional, and spatial information, amino acid conservation, physicochemical variation, residue mobility, and thermodynamic stability) indicates that this missense variant is expected to disrupt ABCC8 protein function with a positive predictive value of 95%. Experimental studies have shown that this missense change affects ABCC8 function (PMID: 26092864, 27573238). In summary, the currently available evidence indicates that the variant is pathogenic, but additional data are needed to prove that conclusively. Therefore, this variant has been classified as Likely Pathogenic.

Literature cited by the submitters: PubMed 16380471; PubMed 26092864; PubMed 30386300; PubMed 27573238.